The following is an entry in ClinVar:

ClinVar aggregate classification (germline): Uncertain significance. Review status: criteria provided, multiple submitters, no conflicts (2 of 4 stars). 2 submissions from 2 submitters: Uncertain significance (2). Last evaluated 2025-08-10.

Conditions:
Inborn genetic diseases. Identifiers: MedGen C0950123, MeSH D030342.
Cornelia de Lange syndrome 1 (CDLS1). Also called: Brachmann de Lange syndrome; TYPUS DEGENERATIVUS AMSTELODAMENSIS; NIPBL-Related Cornelia de Lange Syndrome. Identifiers: Orphanet 199, MedGen C4551851, MONDO:0007387, OMIM 122470.

gnomAD v4.1: 1 of 1,614,070 alleles (0.000062%); highest among the groups gnomAD compares: Admixed American, 0.0017%; no homozygotes.

Submissions (2):

Labcorp Genetics (formerly Invitae), Labcorp
Classification: Uncertain significance for Cornelia de Lange syndrome 1. Last evaluated: 2025-08-10. Review status: criteria provided, single submitter. Criteria: Invitae Variant Classification Sherloc (09022015). Collection method: clinical testing. Allele origin: germline.
Comment: This sequence change replaces arginine, which is basic and polar, with lysine, which is basic and polar, at codon 2677 of the NIPBL protein (p.Arg2677Lys). This variant is present in population databases (no rsID available, gnomAD 0.003%). This variant has not been reported in the literature in individuals affected with NIPBL-related conditions. ClinVar contains an entry for this variant (Variation ID: 3617775). Invitae Evidence Modeling of protein sequence and biophysical properties (such as structural, functional, and spatial information, amino acid conservation, physicochemical variation, residue mobility, and thermodynamic stability) indicates that this missense variant is not expected to disrupt NIPBL protein function with a negative predictive value of 95%. In summary, the available evidence is currently insufficient to determine the role of this variant in disease. Therefore, it has been classified as a Variant of Uncertain Significance.

Ambry Genetics
Classification: Uncertain significance for Inborn genetic diseases. Last evaluated: 2025-01-24. Review status: criteria provided, single submitter. Criteria: Ambry Variant Classification Scheme 2023. Collection method: clinical testing. Allele origin: germline.

NM_133433.4(NIPBL):c.8030G>A (p.Arg2677Lys)

Gene: NIPBL (NIPBL cohesin loading factor; plus strand). Cytogenetic location: 5p13.2.
Variant type: single nucleotide variant.
Coding change: c.8030G>A on transcript NM_133433.4 (MANE Select); coding-DNA position 8030, G replaced by A.
Protein change: p.Arg2677Lys; replaces arginine 2677 with lysine.
Molecular consequence: missense variant.
Genome position (GRCh38, 1-based): chr5:37,063,959, G>A. VCF-style: chr5-37063959-G-A. GRCh37 (hg19) VCF-style: chr5-37064061-G-A.
Other names: c.8030G>A, p.Arg2677Lys (NM_015384.5); c.8030G>A (NM_133433.3); short protein forms R2677K.
Identifiers: ClinVar variation 3617775 (VCV003617775.3).